The following is an entry in ClinVar:

NM_006946.4(SPTBN2):c.3479T>C (p.Met1160Thr)

Gene: SPTBN2 (spectrin beta, non-erythrocytic 2; minus strand). Cytogenetic location: 11q13.2.
Variant type: single nucleotide variant.
Coding change: c.3479T>C on transcript NM_006946.4 (MANE Select); coding-DNA position 3479, T replaced by C.
Protein change: p.Met1160Thr; replaces methionine 1160 with threonine.
Molecular consequence: missense variant.
Genome position (GRCh38, 1-based): chr11:66,700,620, A>G on the plus strand (T>C on the coding strand, the complement: SPTBN2 is on the minus strand). VCF-style: chr11-66700620-A-G. GRCh37 (hg19) VCF-style: chr11-66468091-A-G.
Other names: c.3500T>C, p.Met1167Thr (NM_001411025.1); short protein forms M1167T, M1160T.
Identifiers: ClinVar variation 2585269 (VCV002585269.1), dbSNP rs2496151184, ClinGen allele CA381474470.

ClinVar aggregate classification (germline): Uncertain significance (1 of 4 stars; one submission).

Conditions:
Autosomal recessive spinocerebellar ataxia 14. Also called: CEREBELLAR ATAXIA, AUTOSOMAL RECESSIVE, SPECTRIN-ASSOCIATED, 1. Identifiers: Orphanet 352403, MedGen C4706415, MONDO:0014159, OMIM 615386.

Submission:

Neuberg Centre For Genomic Medicine, NCGM
Classification: Uncertain significance for Autosomal recessive spinocerebellar ataxia 14. Review status: criteria provided, single submitter. Criteria: ACMG Guidelines, 2015. Collection method: clinical testing. Allele origin: germline. Inheritance: Autosomal recessive inheritance. Affected: yes.
Comment: The missense variant c.3479T>C (p.Met1160Thr) in SPTBN2 gene has not been reported previously as a pathogenic variant nor as a benign variant, to our knowledge. The variant is novel (not in any individuals) in gnomAD Exomes and 1000 Genomes. The amino acid Methionine at position 1160 is changed to a Threonine changing protein sequence and it might alter its composition and physico-chemical properties. The variant is predicted to be damaging by both SIFT and PolyPhen2. The residue is conserved across species. For these reasons, this variant has been classified as Uncertain Significance.